The following is an entry in ClinVar:

NM_000701.8(ATP1A1):c.2467G>A (p.Ala823Thr)

Genes: ATP1A1 (ATPase Na+/K+ transporting subunit alpha 1; plus strand), ATP1A1-AS1 (ATP1A1 antisense RNA 1; minus strand). Cytogenetic location: 1p13.1.
Variant type: single nucleotide variant.
Coding change: c.2467G>A on transcript NM_000701.8 (MANE Select); coding-DNA position 2467, G replaced by A.
Protein change: p.Ala823Thr; replaces alanine 823 with threonine.
Molecular consequence: missense variant.
Genome position (GRCh38, 1-based): chr1:116,399,438, G>A. VCF-style: chr1-116399438-G-A. GRCh37 (hg19) VCF-style: chr1-116942060-G-A.
Other names: c.2467G>A, p.Ala823Thr (NM_001160233.2); c.2374G>A, p.Ala792Thr (NM_001160234.2); short protein forms A792T, A823T.
Identifiers: ClinVar variation 5020713 (VCV005020713.1).
Genomic context (GRCh38, chr1:116,399,438, plus strand): 5'-TTATTTTTAGTAACTAAATTCCTTCTCCCCACCCCTTCCCAGGTTCCTGCCATCTCCCTG[G>A]CTTATGAGCAGGCTGAGAGTGACATCATGAAGAGACAGCCCAGAAATCCCAAAACAGACA-3'
Protein context (NP_000692.2, residues 813-833): GTDMVPAISL[Ala823Thr]YEQAESDIMK

ClinVar aggregate classification (germline): Uncertain significance (1 of 4 stars; one submission).

Submission:

Dasa
Classification: Uncertain significance. Last evaluated: 2026-02-07. Review status: criteria provided, single submitter. Criteria: DASA Assertion Criteria. Collection method: clinical testing. Allele origin: germline.
Comment: NM_000701.8(ATP1A1):c.2467G>A (p.Ala823Thr) is a missense variant that results in the substitution of alanine with threonine. This variant is rare in population databases. Computational prediction algorithms are consistent with a deleterious effect. The currently available literature and clinical evidence are not sufficient to establish a definitive association between this variant and the reported condition. Therefore, this variant is classified as a variant of uncertain significance.